The following is an entry in ClinVar:

ClinVar aggregate classification (germline): Uncertain significance (1 of 4 stars; one submission).

Conditions:
Neonatal encephalomyopathy-cardiomyopathy-respiratory distress syndrome. Also called: Coenzyme Q10 deficiency, primary, 7. Identifiers: Orphanet 457185, MedGen C5568562, MONDO:0014562, OMIM 616276.

Allele frequency attached by ClinVar (database versions not stated): gnomAD 0.00002; TOPMed 0.00002.
gnomAD v4.1: 10 of 1,605,682 alleles (0.00062%); highest among the groups gnomAD compares: East Asian, 0.0023%; no homozygotes.

Submission:

Labcorp Genetics (formerly Invitae), Labcorp
Classification: Uncertain significance for Neonatal encephalomyopathy-cardiomyopathy-respiratory distress syndrome. Last evaluated: 2022-01-27. Review status: criteria provided, single submitter. Criteria: Invitae Variant Classification Sherloc (09022015). Collection method: clinical testing. Allele origin: germline.
Comment: This sequence change replaces arginine, which is basic and polar, with glutamine, which is neutral and polar, at codon 249 of the COQ4 protein (p.Arg249Gln). This variant is not present in population databases (gnomAD no frequency). This variant has not been reported in the literature in individuals affected with COQ4-related conditions. Algorithms developed to predict the effect of missense changes on protein structure and function output the following: SIFT: "Tolerated"; PolyPhen-2: "Benign"; Align-GVGD: "Class C0". The glutamine amino acid residue is found in multiple mammalian species, which suggests that this missense change does not adversely affect protein function. In summary, the available evidence is currently insufficient to determine the role of this variant in disease. Therefore, it has been classified as a Variant of Uncertain Significance.

NM_016035.5(COQ4):c.746G>A (p.Arg249Gln)

Gene: COQ4 (coenzyme Q4; plus strand). Cytogenetic location: 9q34.11.
Variant type: single nucleotide variant.
Coding change: c.746G>A on transcript NM_016035.5 (MANE Select); coding-DNA position 746, G replaced by A.
Protein change: p.Arg249Gln; replaces arginine 249 with glutamine.
Molecular consequence: missense variant. On other transcripts: 3 prime UTR variant (1).
Genome position (GRCh38, 1-based): chr9:128,333,593, G>A. VCF-style: chr9-128333593-G-A. GRCh37 (hg19) VCF-style: chr9-131095872-G-A.
Other names: c.*122G>A (NM_001305942.2); short protein forms R249Q.
Identifiers: ClinVar variation 2201041 (VCV002201041.1), dbSNP rs979977296, ClinGen allele CA200342854.
Genomic context (GRCh38, chr9:128,333,593, plus strand): 5'-CCCCATGTGTCCTCAACCTGTACTATGAGCGGCGCTGGGAGCAGTCCCTGAGGGCTCTGC[G>A]GGAGGAGCTGGGCATTACAGCACCACCCATGCACGTCCAGGGCTTGGCCTGAGCTCCTGA-3'
Protein context (NP_057119.3, residues 239-259): RRWEQSLRAL[Arg249Gln]EELGITAPPM